The following is an entry in ClinVar:

NM_002206.3(ITGA7):c.800T>C (p.Ile267Thr)

Gene: ITGA7 (integrin subunit alpha 7; minus strand). Cytogenetic location: 12q13.2.
Variant type: single nucleotide variant.
Coding change: c.800T>C on transcript NM_002206.3 (MANE Select); coding-DNA position 800, T replaced by C.
Protein change: p.Ile267Thr; replaces isoleucine 267 with threonine.
Molecular consequence: missense variant. On other transcripts: 5 prime UTR variant (1).
Genome position (GRCh38, 1-based): chr12:55,698,908, A>G on the plus strand (T>C on the coding strand, the complement: ITGA7 is on the minus strand). VCF-style: chr12-55698908-A-G. GRCh37 (hg19) VCF-style: chr12-56092692-A-G.
Other names: c.812T>C, p.Ile271Thr (NM_001144996.2, NM_001414029.1, NM_001414030.1); c.521T>C, p.Ile174Thr (NM_001144997.2); c.473T>C, p.Ile158Thr (NM_001367993.1); c.-493T>C (NM_001367994.1); c.800T>C, p.Ile267Thr (NM_001374465.1, NM_001414031.1, NM_001414034.1); c.932T>C, p.Ile311Thr (NM_001410977.1); c.680T>C, p.Ile227Thr (NM_001414032.1); c.617T>C, p.Ile206Thr (NM_001414033.1); and 1 more; short protein forms I267T, I311T, I154T, I158T, I174T, I206T, I227T, I271T.
Identifiers: ClinVar variation 2138945 (VCV002138945.2), dbSNP rs541691026, ClinGen allele CA6616155.

ClinVar aggregate classification (germline): Uncertain significance. Review status: criteria provided, multiple submitters, no conflicts (2 of 4 stars). 2 submissions from 2 submitters: Uncertain significance (2). Last evaluated 2024-04-22.

Conditions:
Congenital muscular dystrophy due to integrin alpha-7 deficiency. Also called: Congenital muscular dystrophy with integrin alpha-7 deficiency; Muscular dystrophy, congenital, due to ITGA7 deficiency; MYOPATHY, CONGENITAL, DUE TO INTEGRIN ALPHA-7 DEFICIENCY. Identifiers: Orphanet 34520, MedGen C2750786, MONDO:0013177, OMIM 613204.

Allele frequency attached by ClinVar (database versions not stated): gnomAD exomes 0.00001; ExAC 0.00002; TOPMed 0.00003; gnomAD 0.00005; 1000 Genomes Project 0.00040; 1000 Genomes Project 30x 0.00062.
gnomAD v4.1: 18 of 1,611,788 alleles (0.0011%); highest among the groups gnomAD compares: African/African-American, 0.012%; no homozygotes.

Submissions (2):

Revvity Omics, Revvity
Classification: Uncertain significance for Congenital muscular dystrophy due to integrin alpha-7 deficiency. Last evaluated: 2024-04-22. Review status: criteria provided, single submitter. Criteria: ACMG Guidelines, 2015. Collection method: clinical testing. Allele origin: germline.

Labcorp Genetics (formerly Invitae), Labcorp
Classification: Uncertain significance for Congenital muscular dystrophy due to integrin alpha-7 deficiency. Last evaluated: 2022-02-04. Review status: criteria provided, single submitter. Criteria: Invitae Variant Classification Sherloc (09022015). Collection method: clinical testing. Allele origin: germline.
Comment: This sequence change replaces isoleucine, which is neutral and non-polar, with threonine, which is neutral and polar, at codon 267 of the ITGA7 protein (p.Ile267Thr). This variant is present in population databases (rs541691026, gnomAD 0.02%). This variant has not been reported in the literature in individuals affected with ITGA7-related conditions. Algorithms developed to predict the effect of missense changes on protein structure and function are either unavailable or do not agree on the potential impact of this missense change (SIFT: "Deleterious"; PolyPhen-2: "Benign"; Align-GVGD: "Class C0"). In summary, the available evidence is currently insufficient to determine the role of this variant in disease. Therefore, it has been classified as a Variant of Uncertain Significance.